The following is an entry in ClinVar:

ClinVar aggregate classification (germline): Uncertain significance. Review status: criteria provided, multiple submitters, no conflicts (2 of 4 stars). 2 submissions from 2 submitters: Uncertain significance (2). Last evaluated 2022-08-09.

Conditions:
Nemaline myopathy 10 (NEM10). Identifiers: MedGen C4015360, MONDO:0014513, OMIM 616165.
Inborn genetic diseases. Identifiers: MedGen C0950123, MeSH D030342.

Allele frequency attached by ClinVar (database versions not stated): gnomAD exomes below 0.00001; ExAC 0.00001; TOPMed 0.00001.
gnomAD v4.1: 2 of 1,612,362 alleles (0.00012%); highest among the groups gnomAD compares: Non-Finnish European, 0.00017%; no homozygotes.

Submissions (2):

Labcorp Genetics (formerly Invitae), Labcorp
Classification: Uncertain significance for Nemaline myopathy 10. Last evaluated: 2022-08-09. Review status: criteria provided, single submitter. Criteria: Invitae Variant Classification Sherloc (09022015). Collection method: clinical testing. Allele origin: germline.
Comment: ClinVar contains an entry for this variant (Variation ID: 1485192). Algorithms developed to predict the effect of missense changes on protein structure and function (SIFT, PolyPhen-2, Align-GVGD) all suggest that this variant is likely to be tolerated. In summary, the available evidence is currently insufficient to determine the role of this variant in disease. Therefore, it has been classified as a Variant of Uncertain Significance. This variant has not been reported in the literature in individuals affected with LMOD3-related conditions. This variant is present in population databases (rs749113549, gnomAD 0.0009%). This sequence change replaces glutamic acid, which is acidic and polar, with aspartic acid, which is acidic and polar, at codon 531 of the LMOD3 protein (p.Glu531Asp).

Ambry Genetics
Classification: Uncertain significance for Inborn genetic diseases. Last evaluated: 2022-01-18. Review status: criteria provided, single submitter. Criteria: Ambry Variant Classification Scheme 2023. Collection method: clinical testing. Allele origin: germline.

NM_198271.5(LMOD3):c.1593A>C (p.Glu531Asp)

Gene: LMOD3 (leiomodin 3; minus strand). Cytogenetic location: 3p14.1.
Variant type: single nucleotide variant.
Coding change: c.1593A>C on transcript NM_198271.5 (MANE Select); coding-DNA position 1593, A replaced by C.
Protein change: p.Glu531Asp; replaces glutamic acid 531 with aspartic acid.
Molecular consequence: missense variant.
Genome position (GRCh38, 1-based): chr3:69,118,762, T>G on the plus strand (A>C on the coding strand, the complement: LMOD3 is on the minus strand). VCF-style: chr3-69118762-T-G. GRCh37 (hg19) VCF-style: chr3-69167913-T-G.
Other names: c.1593A>C (NM_198271.3); c.1593A>C, p.Glu531Asp (NM_001304418.3); short protein forms E531D.
Identifiers: ClinVar variation 1485192 (VCV001485192.9), dbSNP rs749113549, ClinGen allele CA2488726.